The following is an entry in ClinVar:

ClinVar aggregate classification (germline): Uncertain significance. Review status: criteria provided, multiple submitters, no conflicts (2 of 4 stars). 5 submissions from 5 submitters: Uncertain significance (4). 1 of the submissions does not count toward it. Last evaluated 2025-06-12.

Conditions:
KIF1B-related disorder. Also called: KIF1B-related condition.
Neuroblastoma, susceptibility to, 1. Identifiers: MedGen C2749485, MONDO:0009741, OMIM 256700.
Charcot-Marie-Tooth disease type 2A1. Also called: CHARCOT-MARIE-TOOTH DISEASE, AXONAL, TYPE 2A1; CHARCOT-MARIE-TOOTH DISEASE, AXONAL, AUTOSOMAL DOMINANT, TYPE 2A1; CHARCOT-MARIE-TOOTH DISEASE, NEURONAL, TYPE 2A1; CHARCOT-MARIE-TOOTH NEUROPATHY, TYPE 2A1; HEREDITARY MOTOR AND SENSORY NEUROPATHY IIA1. Identifiers: Orphanet 99946, MedGen C1861678, MONDO:0007308, OMIM 118210.
Charcot-Marie-Tooth disease type 2. Also called: Charcot-Marie-Tooth type 2. Identifiers: Orphanet 64746, MedGen C0270914, MONDO:0018993.

Allele frequency attached by ClinVar (database versions not stated): gnomAD exomes below 0.00001; TOPMed 0.00002; ExAC 0.00002; gnomAD 0.00003.
gnomAD v4.1: 11 of 1,613,964 alleles (0.00068%); highest among the groups gnomAD compares: African/African-American, 0.004%; no homozygotes.

Submissions (5):

Women's Health and Genetics/Laboratory Corporation of America, LabCorp
Classification: Uncertain significance. Last evaluated: 2025-06-12. Review status: criteria provided, single submitter. Criteria: LabCorp Variant Classification Summary - May 2015. Collection method: clinical testing. Allele origin: germline.
Comment: Variant summary: KIF1B c.3019C>T (p.Arg1007Cys) results in a non-conservative amino acid change in the encoded protein sequence. Algorithms developed to predict the effect of missense changes on protein structure and function are either unavailable or do not agree on the potential impact of this missense change. The variant allele was found at a frequency of 1.2e-05 in 251448 control chromosomes. The available data on variant occurrences in the general population are insufficient to allow any conclusion about variant significance. To our knowledge, no occurrence of c.3019C>T in individuals affected with KIF1B and no experimental evidence demonstrating its impact on protein function have been reported. ClinVar contains an entry for this variant (Variation ID: 1798882). Based on the evidence outlined above, the variant was classified as uncertain significance.

Ambry Genetics
Classification: Uncertain significance. Last evaluated: 2025-04-12. Review status: criteria provided, single submitter. Criteria: Ambry Variant Classification Scheme 2023. Collection method: clinical testing. Allele origin: germline.

Labcorp Genetics (formerly Invitae), Labcorp
Classification: Uncertain significance for Charcot-Marie-Tooth disease type 2. Last evaluated: 2024-07-19. Review status: criteria provided, single submitter. Criteria: Invitae Variant Classification Sherloc (09022015). Collection method: clinical testing. Allele origin: germline.
Comment: This sequence change replaces arginine, which is basic and polar, with cysteine, which is neutral and slightly polar, at codon 1007 of the KIF1B protein (p.Arg1007Cys). This variant is present in population databases (rs778237450, gnomAD 0.003%). This variant has not been reported in the literature in individuals affected with KIF1B-related conditions. ClinVar contains an entry for this variant (Variation ID: 1798882). An algorithm developed to predict the effect of missense changes on protein structure and function (PolyPhen-2) suggests that this variant is likely to be disruptive. In summary, the available evidence is currently insufficient to determine the role of this variant in disease. Therefore, it has been classified as a Variant of Uncertain Significance.

Fulgent Genetics
Classification: Uncertain significance for Charcot-Marie-Tooth disease type 2A1; Neuroblastoma, susceptibility to, 1. Last evaluated: 2024-04-10. Review status: criteria provided, single submitter. Criteria: ACMG Guidelines, 2015. Collection method: clinical testing. Allele origin: germline.

PreventionGenetics, part of Exact Sciences
Classification: Uncertain significance for KIF1B-related condition. Last evaluated: 2024-02-22. Review status: no assertion criteria provided. Collection method: clinical testing. Allele origin: germline. Not counted in ClinVar's aggregate classification.
Comment: The KIF1B c.3019C>T variant is predicted to result in the amino acid substitution p.Arg1007Cys. To our knowledge, this variant has not been reported in the literature. This variant is reported in 0.0033% of alleles in individuals of South Asian descent in gnomAD and is not reported in ClinVar. At this time, the clinical significance of this variant is uncertain due to the absence of conclusive functional and genetic evidence.

NM_001365951.3(KIF1B):c.3157C>T (p.Arg1053Cys)

Gene: KIF1B (kinesin family member 1B; plus strand). Cytogenetic location: 1p36.22.
Variant type: single nucleotide variant.
Coding change: c.3157C>T on transcript NM_001365951.3 (MANE Select); coding-DNA position 3157, C replaced by T.
Protein change: p.Arg1053Cys; replaces arginine 1053 with cysteine.
Molecular consequence: missense variant.
Genome position (GRCh38, 1-based): chr1:10,337,101, C>T. VCF-style: chr1-10337101-C-T. GRCh37 (hg19) VCF-style: chr1-10397159-C-T.
Other names: c.3157C>T, p.Arg1053Cys (NM_001365952.1); c.3019C>T, p.Arg1007Cys (NM_015074.3); short protein forms R1007C, R1053C.
Identifiers: ClinVar variation 1798882 (VCV001798882.10), dbSNP rs778237450, ClinGen allele CA581732.